The following is an entry in ClinVar:

NC_000019.9:g.(7591813_7592405)_(7592847_7593043)del

Gene: MCOLN1 (mucolipin TRP cation channel 1; plus strand). Cytogenetic location: 19p13.2.
Variant type: Deletion.
Identifiers: ClinVar variation 2501238 (VCV002501238.1).

ClinVar aggregate classification (germline): Likely pathogenic (1 of 4 stars; one submission).

Conditions:
Mucolipidosis type IV (ML4). Also called: ML IV. Identifiers: Orphanet 578, MedGen C0238286, MONDO:0009653, OMIM 252650.

Submission:

Women's Health and Genetics/Laboratory Corporation of America, LabCorp
Classification: Likely pathogenic for Mucolipidosis type IV. Last evaluated: 2023-03-21. Review status: criteria provided, single submitter. Criteria: LabCorp Variant Classification Summary - May 2015. Collection method: clinical testing. Allele origin: germline.
Comment: Variant summary: The variant identified by MLPA or other technology involves the deletion of exons 5-6 in the MCOLN1 gene. A presumed nomenclature of c.(571+1_572-1)_(777+1_778-1)del has been designated for the purposes of this classification. Although exact breakpoints of this deletion are not known, it is expected to result in a frameshift in the MCOLN1 gene, a known mechanism of disease. The variant was absent in 21154 control chromosomes in the gnomAD database, structural variants dataset. To our knowledge, no occurrence of c.(571+1_572-1)_(777+1_778-1)del in individuals affected with Mucolipidosis Type 4 and no experimental evidence demonstrating its impact on protein function have been reported. No submitters have provided clinical-significance assessments for this variant to ClinVar after 2014. Based on the evidence outlined above, the variant was classified as likely pathogenic.